The following is an entry in ClinVar:

NM_020338.4(ZMIZ1):c.2924C>A (p.Pro975Gln)

Gene: ZMIZ1 (zinc finger MIZ-type containing 1; plus strand). Cytogenetic location: 10q22.3.
Variant type: single nucleotide variant.
Coding change: c.2924C>A on transcript NM_020338.4 (MANE Select); coding-DNA position 2924, C replaced by A.
Protein change: p.Pro975Gln; replaces proline 975 with glutamine.
Molecular consequence: missense variant.
Genome position (GRCh38, 1-based): chr10:79,311,012, C>A. VCF-style: chr10-79311012-C-A. GRCh37 (hg19) VCF-style: chr10-81070769-C-A.
Other names: short protein forms P975Q.
Identifiers: ClinVar variation 3361867 (VCV003361867.1).

ClinVar aggregate classification (germline): Uncertain significance (1 of 4 stars; one submission).

Submission:

GeneDx
Classification: Uncertain significance. Last evaluated: 2023-08-07. Review status: criteria provided, single submitter. Criteria: GeneDx Variant Classification Process June 2021. Collection method: clinical testing. Allele origin: germline. Affected: yes.
Comment: Not observed at significant frequency in large population cohorts (gnomAD); In silico analysis supports that this missense variant does not alter protein structure/function; Has not been previously published as pathogenic or benign to our knowledge